The following is an entry in ClinVar:

ClinVar aggregate classification (germline): Uncertain significance. Review status: criteria provided, multiple submitters, no conflicts (2 of 4 stars). 2 submissions from 2 submitters: Uncertain significance (2). Last evaluated 2025-05-06.

Conditions:
RASopathy. Also called: Noonan spectrum disorder; rasopathies. Identifiers: Orphanet 536391, MedGen C5555857, MONDO:0021060.
Cardiovascular phenotype. Identifiers: MedGen CN230736.

Allele frequency attached by ClinVar (database versions not stated): gnomAD exomes below 0.00001.
gnomAD v4.1: 2 of 1,612,742 alleles (0.00012%); highest among the groups gnomAD compares: Admixed American, 0.0033%; no homozygotes.

Submissions (2):

Labcorp Genetics (formerly Invitae), Labcorp
Classification: Uncertain significance for RASopathy. Last evaluated: 2025-05-06. Review status: criteria provided, single submitter. Criteria: Invitae Variant Classification Sherloc (09022015). Collection method: clinical testing. Allele origin: germline.
Comment: This sequence change replaces histidine, which is basic and polar, with tyrosine, which is neutral and polar, at codon 293 of the PTPN11 protein (p.His293Tyr). This variant is present in population databases (no rsID available, gnomAD 0.003%). This variant has not been reported in the literature in individuals affected with PTPN11-related conditions. ClinVar contains an entry for this variant (Variation ID: 2196941). Invitae Evidence Modeling of protein sequence and biophysical properties (such as structural, functional, and spatial information, amino acid conservation, physicochemical variation, residue mobility, and thermodynamic stability) has been performed for this missense variant. However, the output from this modeling did not meet the statistical confidence thresholds required to predict the impact of this variant on PTPN11 protein function. In summary, the available evidence is currently insufficient to determine the role of this variant in disease. Therefore, it has been classified as a Variant of Uncertain Significance.

Ambry Genetics
Classification: Uncertain significance for Cardiovascular phenotype. Last evaluated: 2024-11-27. Review status: criteria provided, single submitter. Criteria: Ambry Variant Classification Scheme 2023. Collection method: clinical testing. Allele origin: germline.
Comment: The p.H293Y variant (also known as c.877C>T), located in coding exon 8 of the PTPN11 gene, results from a C to T substitution at nucleotide position 877. The histidine at codon 293 is replaced by tyrosine, an amino acid with similar properties. This amino acid position is conserved. In addition, the in silico prediction for this alteration is inconclusive. Based on the available evidence, the clinical significance of this variant remains unclear.

NM_002834.5(PTPN11):c.877C>T (p.His293Tyr)

Gene: PTPN11 (protein tyrosine phosphatase non-receptor type 11; plus strand). Cytogenetic location: 12q24.13.
Variant type: single nucleotide variant.
Coding change: c.877C>T on transcript NM_002834.5 (MANE Select); coding-DNA position 877, C replaced by T.
Protein change: p.His293Tyr; replaces histidine 293 with tyrosine.
Molecular consequence: missense variant.
Genome position (GRCh38, 1-based): chr12:112,477,674, C>T. VCF-style: chr12-112477674-C-T. GRCh37 (hg19) VCF-style: chr12-112915478-C-T.
Other names: c.877C>T, p.His293Tyr (NM_001330437.2, NM_080601.3); c.874C>T, p.His292Tyr (NM_001374625.1); short protein forms H292Y, H293Y.
Identifiers: ClinVar variation 2196941 (VCV002196941.5), dbSNP rs1283049536, ClinGen allele CA386790541.